The following is an entry in ClinVar:

NM_000489.6(ATRX):c.4046A>T (p.Asp1349Val)

Gene: ATRX (ATRX chromatin remodeler; minus strand). Cytogenetic location: Xq21.1.
Variant type: single nucleotide variant.
Coding change: c.4046A>T on transcript NM_000489.6 (MANE Select); coding-DNA position 4046, A replaced by T.
Protein change: p.Asp1349Val; replaces aspartic acid 1349 with valine.
Molecular consequence: missense variant.
Genome position (GRCh38, 1-based): chrX:77,663,456, T>A on the plus strand (A>T on the coding strand, the complement: ATRX is on the minus strand). VCF-style: chrX-77663456-T-A. GRCh37 (hg19) VCF-style: chrX-76918945-T-A.
Other names: c.3932A>T, p.Asp1311Val (NM_138270.5); short protein forms D1349V, D1311V.
Identifiers: ClinVar variation 1441245 (VCV001441245.4), dbSNP rs1557124086, ClinGen allele CA413699566.

ClinVar aggregate classification (germline): Uncertain significance (1 of 4 stars; one submission).

Conditions:
Alpha thalassemia-X-linked intellectual disability syndrome (ATRX). Also called: X-linked alpha-thalassemia-mental retardation syndrome; ALPHA-THALASSEMIA/IMPAIRED INTELLECTUAL DEVELOPMENT SYNDROME, X-LINKED; ALPHA-THALASSEMIA/MENTAL RETARDATION SYNDROME, X-LINKED; ATR, NONDELETION TYPE; ATR-X syndrome; Alpha thalassemia mental retardation syndrome, nondeletion type, X-linked. Identifiers: Orphanet 847, MedGen C1845055, MONDO:0010519, OMIM 301040.

Allele frequency attached by ClinVar (database versions not stated): gnomAD exomes 0.00001.
gnomAD v4.1: 8 of 1,211,601 alleles (0.00066%); highest among the groups gnomAD compares: Non-Finnish European, 0.00089%; no homozygotes.

Submission:

Labcorp Genetics (formerly Invitae), Labcorp
Classification: Uncertain significance for Alpha thalassemia-X-linked intellectual disability syndrome. Last evaluated: 2025-12-01. Review status: criteria provided, single submitter. Criteria: Invitae Variant Classification Sherloc (09022015). Collection method: clinical testing. Allele origin: germline.
Comment: This sequence change replaces aspartic acid, which is acidic and polar, with valine, which is neutral and non-polar, at codon 1349 of the ATRX protein (p.Asp1349Val). This variant is present in population databases (no rsID available, gnomAD 0.001%). This variant has not been reported in the literature in individuals affected with ATRX-related conditions. ClinVar contains an entry for this variant (Variation ID: 1441245). Invitae Evidence Modeling of protein sequence and biophysical properties (such as structural, functional, and spatial information, amino acid conservation, physicochemical variation, residue mobility, and thermodynamic stability) has been performed for this missense variant. However, the output from this modeling did not meet the statistical confidence thresholds required to predict the impact of this variant on ATRX protein function. In summary, the available evidence is currently insufficient to determine the role of this variant in disease. Therefore, it has been classified as a Variant of Uncertain Significance.